The following is an entry in ClinVar:

NM_000092.5(COL4A4):c.3214+1G>T

Gene: COL4A4 (collagen type IV alpha 4 chain; minus strand). Cytogenetic location: 2q36.3.
Variant type: single nucleotide variant.
Coding change: c.3214+1G>T on transcript NM_000092.5 (MANE Select); the canonical splice donor site of the intron after coding-DNA position 3214, G replaced by T.
Molecular consequence: splice donor variant.
Genome position (GRCh38, 1-based): chr2:227,050,067, C>A on the plus strand (G>T on the coding strand, the complement: COL4A4 is on the minus strand). VCF-style: chr2-227050067-C-A. GRCh37 (hg19) VCF-style: chr2-227914783-C-A.
Identifiers: ClinVar variation 1029644 (VCV001029644.4), dbSNP rs747167770, ClinGen allele CA2144608.

ClinVar aggregate classification (germline): Pathogenic/Likely pathogenic. Review status: criteria provided, multiple submitters, no conflicts (2 of 4 stars). 4 submissions from 4 submitters: Pathogenic (1); Likely pathogenic (2). 1 of the submissions does not count toward it. Last evaluated 2024-10-31.

Conditions:
Hematuria, benign familial, 1 (BFH1). Also called: THIN MEMBRANE NEPHROPATHY. Identifiers: MedGen CN376803, MONDO:0007709, OMIM 141200.
Autosomal recessive Alport syndrome (ATS2). Also called: COL4A4 Alport Syndrome and Thin Basement Membrane Nephropathy; ALPORT SYNDROME 2, AUTOSOMAL RECESSIVE; COL4A3-Related Nephropathy; Alport syndrome type 2. Identifiers: Orphanet 63, Orphanet 88919, MedGen C4746745, MONDO:0008762, OMIM 203780.
COL4A4-related disorder.
Alport syndrome. Also called: Hemorrhagic familial nephritis; Hemorrhagic hereditary nephritis; Congenital hereditary hematuria. Identifiers: Orphanet 63, MedGen C1567741, MONDO:0018965.

Allele frequency attached by ClinVar (database versions not stated): gnomAD exomes below 0.00001; TOPMed below 0.00001; ExAC 0.00001.
gnomAD v4.1: 3 of 1,613,954 alleles (0.00019%); highest among the groups gnomAD compares: South Asian, 0.0033%; no homozygotes.

Submissions (4):

Natera, Inc.
Classification: Likely pathogenic for Alport syndrome. Last evaluated: 2024-10-31. Review status: criteria provided, single submitter. Criteria: Natera Variant Classification Schema (03/2026). Collection method: clinical testing. Allele origin: germline.
Comment: The c.3214+1G>T variant in COL4A4 is a canonical splice donor site variant predicted to affect pre-mRNA splicing, which may result in an abnormal transcript and altered protein product. This variant is expected to result in nonsense mediated decay, truncation, or a dysfunctional protein product. This variant is rare in the general population with a frequency below the threshold expected for the associated phenotype(s). Given the available evidence, this variant is classified as Likely Pathogenic.

Fulgent Genetics
Classification: Likely pathogenic for Hematuria, benign familial, 1; Autosomal recessive Alport syndrome. Last evaluated: 2024-01-03. Review status: criteria provided, single submitter. Criteria: ACMG Guidelines, 2015. Collection method: clinical testing. Allele origin: germline.

Baylor Genetics
Classification: Pathogenic for Autosomal recessive Alport syndrome. Last evaluated: 2019-08-21. Review status: criteria provided, single submitter. Criteria: ACMG Guidelines, 2015. Collection method: clinical testing. Allele origin: unknown. Affected: yes.
Comment: This variant was determined to be pathogenic according to ACMG Guidelines, 2015 [PMID:25741868].

PreventionGenetics, part of Exact Sciences
Classification: Likely pathogenic for COL4A4-related condition. Last evaluated: 2024-05-14. Review status: no assertion criteria provided. Collection method: clinical testing. Allele origin: germline. Not counted in ClinVar's aggregate classification.
Comment: The COL4A4 c.3214+1G>T variant is predicted to disrupt the GT donor site and interfere with normal splicing. To our knowledge, this variant has not been reported in the literature. This variant is reported in 0.0033% of alleles in individuals of South Asian descent in gnomAD. Variants that disrupt the consensus splice donor site in COL4A4 are expected to be pathogenic. This variant is interpreted as likely pathogenic.